The following is an entry in ClinVar:

NM_002691.4(POLD1):c.637A>T (p.Thr213Ser)

Gene: POLD1 (DNA polymerase delta 1, catalytic subunit; plus strand). Cytogenetic location: 19q13.33.
Variant type: single nucleotide variant.
Coding change: c.637A>T on transcript NM_002691.4 (MANE Select); coding-DNA position 637, A replaced by T.
Protein change: p.Thr213Ser; replaces threonine 213 with serine.
Molecular consequence: missense variant. On other transcripts: non-coding transcript variant (1).
Genome position (GRCh38, 1-based): chr19:50,402,252, A>T. VCF-style: chr19-50402252-A-T. GRCh37 (hg19) VCF-style: chr19-50905509-A-T.
Other names: c.637A>T, p.Thr213Ser (NM_001256849.1, NM_001308632.1); short protein forms T213S.
Identifiers: ClinVar variation 2158732 (VCV002158732.4), dbSNP rs750753334, ClinGen allele CA406974041.

ClinVar aggregate classification (germline): Uncertain significance (1 of 4 stars; one submission).

Conditions:
POLD1-related polyposis and colorectal cancer syndrome (CRCS10). Also called: Colorectal cancer, susceptibility to, 10; Colorectal cancer 10; COLORECTAL CANCER, SUSCEPTIBILITY TO, ON CHROMOSOME 19q. Identifiers: Orphanet 220460, MedGen C2675481, MONDO:0012953, OMIM 612591.

Submission:

Labcorp Genetics (formerly Invitae), Labcorp
Classification: Uncertain significance for POLD1-related polyposis and colorectal cancer syndrome. Last evaluated: 2023-06-12. Review status: criteria provided, single submitter. Criteria: Invitae Variant Classification Sherloc (09022015). Collection method: clinical testing. Allele origin: germline.
Comment: In summary, the available evidence is currently insufficient to determine the role of this variant in disease. Therefore, it has been classified as a Variant of Uncertain Significance. Advanced modeling of protein sequence and biophysical properties (such as structural, functional, and spatial information, amino acid conservation, physicochemical variation, residue mobility, and thermodynamic stability) performed at Invitae indicates that this missense variant is not expected to disrupt POLD1 protein function. ClinVar contains an entry for this variant (Variation ID: 2158732). This variant has not been reported in the literature in individuals affected with POLD1-related conditions. This variant is not present in population databases (gnomAD no frequency). This sequence change replaces threonine, which is neutral and polar, with serine, which is neutral and polar, at codon 213 of the POLD1 protein (p.Thr213Ser).